The following is an entry in ClinVar:

ClinVar aggregate classification (germline): Uncertain significance (1 of 4 stars; one submission).

Submission:

Labcorp Genetics (formerly Invitae), Labcorp
Classification: Uncertain significance. Last evaluated: 2022-05-14. Review status: criteria provided, single submitter. Criteria: Invitae Variant Classification Sherloc (09022015). Collection method: clinical testing. Allele origin: germline.
Comment: This sequence change replaces phenylalanine, which is neutral and non-polar, with valine, which is neutral and non-polar, at codon 501 of the EYS protein (p.Phe501Val). This variant is not present in population databases (gnomAD no frequency). This variant has not been reported in the literature in individuals affected with EYS-related conditions. Algorithms developed to predict the effect of missense changes on protein structure and function (SIFT, PolyPhen-2, Align-GVGD) all suggest that this variant is likely to be tolerated. In summary, the available evidence is currently insufficient to determine the role of this variant in disease. Therefore, it has been classified as a Variant of Uncertain Significance.

NM_001142800.2(EYS):c.1501T>G (p.Phe501Val)

Gene: EYS (eyes shut homolog; minus strand). Cytogenetic location: 6q12.
Variant type: single nucleotide variant.
Coding change: c.1501T>G on transcript NM_001142800.2 (MANE Select); coding-DNA position 1501, T replaced by G.
Protein change: p.Phe501Val; replaces phenylalanine 501 with valine.
Molecular consequence: missense variant.
Genome position (GRCh38, 1-based): chr6:65,344,136, A>C on the plus strand (T>G on the coding strand, the complement: EYS is on the minus strand). VCF-style: chr6-65344136-A-C. GRCh37 (hg19) VCF-style: chr6-66054029-A-C.
Other names: c.1501T>G, p.Phe501Val (NM_001142801.2, NM_001292009.2, NM_198283.2); short protein forms F501V.
Identifiers: ClinVar variation 1908357 (VCV001908357.2), dbSNP rs780697190, ClinGen allele CA3877715.